The following is an entry in ClinVar:

NM_001142556.2(HMMR):c.670_671del (p.Lys224fs)

Gene: HMMR (hyaluronan mediated motility receptor; plus strand). Cytogenetic location: 5q34.
Variant type: Deletion.
Coding change: c.670_671del on transcript NM_001142556.2 (MANE Select); coding-DNA positions 670 to 671, 2 bases deleted (AA; older notation c.670_671delAA).
Protein change: p.Lys224fs; shifts the reading frame from lysine 224.
Molecular consequence: frameshift variant.
Genome position (GRCh38, 1-based): chr5:163,473,198-163,473,199, AA deleted; deleting any 2 consecutive bases within chr5:163,473,196-163,473,199 gives the same sequence; the c. name uses the placement nearest the transcript's 3' end. VCF-style (leftmost placement, unchanged base first): chr5-163473195-GAA-G. GRCh37 (hg19) VCF-style: chr5-162900201-GAA-G.
Other names: c.409_410del, p.Lys137fs (NM_001142557.2); c.667_668del, p.Lys223fs (NM_012484.3); c.622_623del, p.Lys208fs (NM_012485.3); short protein forms K137fs, K208fs, K223fs, K224fs.
Identifiers: ClinVar variation 4883963 (VCV004883963.2).

ClinVar aggregate classification (germline): Uncertain significance (1 of 4 stars; one submission).

Submission:

Dasa
Classification: Uncertain significance. Last evaluated: 2025-02-07. Review status: criteria provided, single submitter. Criteria: DASA Assertion Criteria. Collection method: clinical testing. Allele origin: germline.
Comment: NM_001142556.2(HMMR):c.670_671del (p.Lys224Aspfs*2) is a frameshift variant in HMMR predicted to alter the reading frame and introduce a premature termination codon. This variant is absent from population databases. The currently available literature and clinical evidence are not sufficient to establish a definitive association between this variant and the reported condition. Therefore, this variant is classified as a variant of uncertain significance.